The following is an entry in ClinVar:

ClinVar aggregate classification (germline): Uncertain significance. Review status: criteria provided, multiple submitters, no conflicts (2 of 4 stars). 2 submissions from 2 submitters: Uncertain significance (2). Last evaluated 2025-08-21.

Conditions:
Gastrointestinal stromal tumor. Also called: Gastrointestinal stromal tumor, somatic; Gastrointestinal stroma tumor. Identifiers: Orphanet 44890, MedGen C0238198, MeSH D046152, MONDO:0011719, OMIM 606764, HP:0100723.
Hereditary cancer-predisposing syndrome. Also called: Tumor predisposition; Neoplastic Syndromes, Hereditary; Hereditary neoplastic syndrome; Hereditary Cancer Syndrome. Identifiers: Orphanet 140162, MedGen C0027672, MeSH D009386, MONDO:0015356.

Allele frequency attached by ClinVar (database versions not stated): gnomAD 0.00001; gnomAD exomes 0.00001 and 0.00003; ExAC 0.00002.
gnomAD v4.1: 10 of 1,613,950 alleles (0.00062%); no homozygotes.

Submissions (2):

Ambry Genetics
Classification: Uncertain significance for Hereditary cancer-predisposing syndrome. Last evaluated: 2025-08-21. Review status: criteria provided, single submitter. Criteria: Ambry Variant Classification Scheme 2023. Collection method: clinical testing. Allele origin: germline.
Comment: The p.S840N variant (also known as c.2519G>A), located in coding exon 18 of the KIT gene, results from a G to A substitution at nucleotide position 2519. The serine at codon 840 is replaced by asparagine, an amino acid with highly similar properties. This amino acid position is highly conserved in available vertebrate species. In addition, the in silico prediction for this alteration is inconclusive. Based on the available evidence, the clinical significance of this variant remains unclear.

Labcorp Genetics (formerly Invitae), Labcorp
Classification: Uncertain significance for Gastrointestinal stromal tumor. Last evaluated: 2024-07-16. Review status: criteria provided, single submitter. Criteria: Invitae Variant Classification Sherloc (09022015). Collection method: clinical testing. Allele origin: germline.
Comment: This sequence change replaces serine, which is neutral and polar, with asparagine, which is neutral and polar, at codon 840 of the KIT protein (p.Ser840Asn). This variant is present in population databases (rs766430859, gnomAD 0.03%). This missense change has been observed in individual(s) with mastocytosis (PMID: 18567837). ClinVar contains an entry for this variant (Variation ID: 1052592). An algorithm developed to predict the effect of missense changes on protein structure and function (PolyPhen-2) suggests that this variant is likely to be disruptive. In summary, the available evidence is currently insufficient to determine the role of this variant in disease. Therefore, it has been classified as a Variant of Uncertain Significance.

Literature cited by the submitters: PubMed 18567837 (cited by Labcorp Genetics (formerly Invitae), Labcorp).

NM_000222.3(KIT):c.2519G>A (p.Ser840Asn)

Gene: KIT (KIT proto-oncogene, receptor tyrosine kinase; plus strand). Cytogenetic location: 4q12.
Variant type: single nucleotide variant.
Coding change: c.2519G>A on transcript NM_000222.3 (MANE Select); coding-DNA position 2519, G replaced by A.
Protein change: p.Ser840Asn; replaces serine 840 with asparagine.
Molecular consequence: missense variant.
Genome position (GRCh38, 1-based): chr4:54,736,532, G>A. VCF-style: chr4-54736532-G-A. GRCh37 (hg19) VCF-style: chr4-55602698-G-A.
Other names: c.2507G>A, p.Ser836Asn (NM_001093772.2, NM_001385292.1); c.2522G>A, p.Ser841Asn (NM_001385284.1); c.2516G>A, p.Ser839Asn (NM_001385285.1); c.2504G>A, p.Ser835Asn (NM_001385286.1); c.2510G>A, p.Ser837Asn (NM_001385288.1); c.2519G>A, p.Ser840Asn (NM_001385290.1); c.2519G>A (NM_000222.2); short protein forms S835N, S836N, S837N, S839N, S840N, S841N.
Identifiers: ClinVar variation 1052592 (VCV001052592.10), dbSNP rs766430859, ClinGen allele CA2923787.